The following is an entry in ClinVar:

NM_001048174.2(MUTYH):c.671A>G (p.Asp224Gly)

Gene: MUTYH (mutY DNA glycosylase; minus strand). Cytogenetic location: 1p34.1.
Variant type: single nucleotide variant.
Coding change: c.671A>G on transcript NM_001048174.2 (MANE Select); coding-DNA position 671, A replaced by G.
Protein change: p.Asp224Gly; replaces aspartic acid 224 with glycine.
Molecular consequence: missense variant. On other transcripts: non-coding transcript variant (2).
Genome position (GRCh38, 1-based): chr1:45,332,424, T>C on the plus strand (A>G on the coding strand, the complement: MUTYH is on the minus strand). VCF-style: chr1-45332424-T-C. GRCh37 (hg19) VCF-style: chr1-45798096-T-C.
Other names: c.671A>G, p.Asp224Gly (NM_001048171.2, NM_001048173.2, NM_001293195.2); c.674A>G, p.Asp225Gly (NM_001048172.2); c.755A>G, p.Asp252Gly (NM_001128425.2); c.716A>G, p.Asp239Gly (NM_001293190.2); c.704A>G, p.Asp235Gly (NM_001293191.2); c.395A>G, p.Asp132Gly (NM_001293192.2, NM_001293196.2); c.326A>G, p.Asp109Gly (NM_001350650.2, NM_001350651.2); c.746A>G, p.Asp249Gly (NM_012222.3); short protein forms D252G, D132G, D224G, D239G, D225G, D235G, D109G, D249G.
Identifiers: ClinVar variation 231965 (VCV000231965.14), dbSNP rs876659465, ClinGen allele CA10577724.

ClinVar aggregate classification (germline): Uncertain significance. Review status: criteria provided, multiple submitters, no conflicts (2 of 4 stars). 2 submissions from 2 submitters: Uncertain significance (2). Last evaluated 2024-03-24.

Conditions:
Hereditary cancer-predisposing syndrome. Also called: Tumor predisposition; Hereditary Cancer Syndrome; Neoplastic Syndromes, Hereditary; Hereditary neoplastic syndrome. Identifiers: Orphanet 140162, MedGen C0027672, MeSH D009386, MONDO:0015356.
Familial adenomatous polyposis 2. Also called: MYH-associated polyposis; FAP type 2; ADENOMAS, MULTIPLE COLORECTAL, AUTOSOMAL RECESSIVE; MUTYH Polyposis; MUTYH-associated polyposis; MUTYH-related attenuated familial adenomatous polyposis. Identifiers: Orphanet 220460, Orphanet 247798, MedGen C3272841, MONDO:0012041, OMIM 608456.

Submissions (2):

Ambry Genetics
Classification: Uncertain significance for Hereditary cancer-predisposing syndrome. Last evaluated: 2024-03-24. Review status: criteria provided, single submitter. Criteria: Ambry Variant Classification Scheme 2023. Collection method: clinical testing. Allele origin: germline.
Comment: The p.D252G variant (also known as c.755A>G), located in coding exon 9 of the MUTYH gene, results from an A to G substitution at nucleotide position 755. The aspartic acid at codon 252 is replaced by glycine, an amino acid with similar properties. This amino acid position is highly conserved in available vertebrate species, though glycine is the reference amino acid in one species. In addition, the in silico prediction for this alteration is inconclusive. Since supporting evidence is limited at this time, the clinical significance of this alteration remains unclear.

Labcorp Genetics (formerly Invitae), Labcorp
Classification: Uncertain significance for Familial adenomatous polyposis 2. Last evaluated: 2023-02-07. Review status: criteria provided, single submitter. Criteria: Invitae Variant Classification Sherloc (09022015). Collection method: clinical testing. Allele origin: germline.
Comment: In summary, the available evidence is currently insufficient to determine the role of this variant in disease. Therefore, it has been classified as a Variant of Uncertain Significance. Algorithms developed to predict the effect of missense changes on protein structure and function (SIFT, PolyPhen-2, Align-GVGD) all suggest that this variant is likely to be disruptive. ClinVar contains an entry for this variant (Variation ID: 231965). This variant has not been reported in the literature in individuals affected with MUTYH-related conditions. This variant is not present in population databases (gnomAD no frequency). This sequence change replaces aspartic acid, which is acidic and polar, with glycine, which is neutral and non-polar, at codon 252 of the MUTYH protein (p.Asp252Gly).